The following is an entry in ClinVar:

NM_001009944.3(PKD1):c.8034C>G (p.Leu2678=)

Gene: PKD1 (polycystin 1, transient receptor potential channel interacting; minus strand). Cytogenetic location: 16p13.3.
Variant type: single nucleotide variant.
Coding change: c.8034C>G on transcript NM_001009944.3 (MANE Select); coding-DNA position 8034, C replaced by G.
Protein change: p.Leu2678=; no amino-acid change (leucine 2678 retained).
Molecular consequence: synonymous variant.
Genome position (GRCh38, 1-based): chr16:2,104,625, G>C on the plus strand (C>G on the coding strand, the complement: PKD1 is on the minus strand). VCF-style: chr16-2104625-G-C. GRCh37 (hg19) VCF-style: chr16-2154626-G-C.
Other names: c.8034C>G, p.Leu2678= (NM_000296.4).
Identifiers: ClinVar variation 2630346 (VCV002630346.1), dbSNP rs574400883, ClinGen allele CA492970268.
Genomic context (GRCh38, chr16:2,104,625, plus strand): 5'-CAGGATGAGCATCATGGCCTCCAGCTTGTGCAGCGTCTGCTTCAGGCACGAGCGGCATAC[G>C]AGCTCCCTGCTGGGCCCCTGTGTGGAGCCAGCAGTGTCCAGCCCCGCTCCTGGCCCCACT-3'
Protein context (NP_001009944.3, residues 2668-2688): LAQCMGPSRE[Leu2678=]VCRSCLKQTL

ClinVar aggregate classification (germline): Uncertain significance (1 of 4 stars; one submission).

Conditions:
PKD1-related disorder. Also called: PKD1-related condition.

Submission:

PreventionGenetics, part of Exact Sciences
Classification: Uncertain significance for PKD1-related condition. Last evaluated: 2023-02-20. Review status: criteria provided, single submitter. Criteria: ACMG Guidelines, 2015. Collection method: clinical testing. Allele origin: germline.
Comment: The PKD1 c.8034C>G variant is not predicted to result in an amino acid change (p.=). This variant is predicted to create a cryptic splice donor site (Alamut Visual v1.6.1). To our knowledge, this variant has not been reported in the literature or in a large population database, indicating this variant is rare. At this time, the clinical significance of this variant is uncertain due to the absence of conclusive functional and genetic evidence.